The following is an entry in ClinVar:

NM_000051.4(ATM):c.4dup (p.Ser2fs)

Gene: ATM (ATM serine/threonine kinase; plus strand). Cytogenetic location: 11q22.3.
Variant type: Duplication.
Coding change: c.4dup on transcript NM_000051.4 (MANE Select); coding-DNA position 4, one base duplicated (A; older notation c.4dupA).
Protein change: p.Ser2fs; shifts the reading frame from serine 2.
Molecular consequence: frameshift variant.
Genome position (GRCh38, 1-based): chr11:108,227,628, A duplicated. VCF-style (leftmost placement, unchanged base first): chr11-108227627-G-GA. GRCh37 (hg19) VCF-style: chr11-108098354-G-GA.
Other names: c.4dup, p.Ser2fs (NM_001351834.2, NM_001351835.2, NM_001351836.2); short protein forms S2fs.
Identifiers: ClinVar variation 3254400 (VCV003254400.1), dbSNP rs2496887153.

ClinVar aggregate classification (germline): Pathogenic (1 of 4 stars; one submission).

Conditions:
Familial cancer of breast. Also called: BREAST CANCER, FAMILIAL; Hereditary breast cancer; hereditary breast carcinoma. Identifiers: Orphanet 227535, MedGen C0346153, MONDO:0016419, OMIM 114480. Disease mechanism: loss of function.

Submission:

Myriad Genetics, Inc.
Classification: Pathogenic for Familial cancer of breast. Last evaluated: 2024-06-10. Review status: criteria provided, single submitter. Criteria: Myriad Autosomal Dominant, Autosomal Recessive and X-Linked Classification Criteria (2023). Collection method: clinical testing. Allele origin: unknown.
Comment: This variant is considered pathogenic. This variant creates a frameshift predicted to result in premature protein truncation.